The following is an entry in ClinVar:

NM_000179.3(MSH6):c.1492A>G (p.Lys498Glu)

Gene: MSH6 (mutS homolog 6; plus strand). Cytogenetic location: 2p16.3.
Variant type: single nucleotide variant.
Coding change: c.1492A>G on transcript NM_000179.3 (MANE Select); coding-DNA position 1492, A replaced by G.
Protein change: p.Lys498Glu; replaces lysine 498 with glutamic acid.
Molecular consequence: missense variant.
Genome position (GRCh38, 1-based): chr2:47,799,475, A>G. VCF-style: chr2-47799475-A-G. GRCh37 (hg19) VCF-style: chr2-48026614-A-G.
Other names: c.1102A>G, p.Lys368Glu (NM_001281492.2); c.586A>G, p.Lys196Glu (NM_001281493.2, NM_001281494.2); short protein forms K498E, K196E, K368E.
Identifiers: ClinVar variation 924499 (VCV000924499.13), dbSNP rs1669338018, ClinGen allele CA346746113.
Genomic context (GRCh38, chr2:47,799,475, plus strand): 5'-TATAAAGTAGCACGAGTGGAACAGACTGAGACTCCAGAAATGATGGAGGCACGATGTAGA[A>G]AGATGGCACATATATCCAAGTATGATAGAGTGGTGAGGAGGGAGATCTGTAGGATCATTA-3'
Protein context (NP_000170.1, residues 488-508): TPEMMEARCR[Lys498Glu]MAHISKYDRV

ClinVar aggregate classification (germline): Uncertain significance. Review status: criteria provided, multiple submitters, no conflicts (2 of 4 stars). 3 submissions from 3 submitters: Uncertain significance (3). Last evaluated 2025-11-10.

Conditions:
Hereditary nonpolyposis colorectal neoplasms. Identifiers: MedGen C0009405, MeSH D003123.
Hereditary cancer-predisposing syndrome. Also called: Neoplastic Syndromes, Hereditary; Tumor predisposition; Hereditary Cancer Syndrome; Hereditary neoplastic syndrome. Identifiers: Orphanet 140162, MedGen C0027672, MeSH D009386, MONDO:0015356.

gnomAD v4.1: 3 of 1,614,164 alleles (0.00019%); highest among the groups gnomAD compares: Non-Finnish European, 0.00025%; no homozygotes.

Submissions (3):

Labcorp Genetics (formerly Invitae), Labcorp
Classification: Uncertain significance for Hereditary nonpolyposis colorectal neoplasms. Last evaluated: 2025-11-10. Review status: criteria provided, single submitter. Criteria: Invitae Variant Classification Sherloc (09022015). Collection method: clinical testing. Allele origin: germline.
Comment: This sequence change replaces lysine, which is basic and polar, with glutamic acid, which is acidic and polar, at codon 498 of the MSH6 protein (p.Lys498Glu). This variant is not present in population databases (gnomAD no frequency). This variant has not been reported in the literature in individuals affected with MSH6-related conditions. ClinVar contains an entry for this variant (Variation ID: 924499). Invitae Evidence Modeling of protein sequence and biophysical properties (such as structural, functional, and spatial information, amino acid conservation, physicochemical variation, residue mobility, and thermodynamic stability) indicates that this missense variant is not expected to disrupt MSH6 protein function with a negative predictive value of 95%. In summary, the available evidence is currently insufficient to determine the role of this variant in disease. Therefore, it has been classified as a Variant of Uncertain Significance.

Ambry Genetics
Classification: Uncertain significance for Hereditary cancer-predisposing syndrome. Last evaluated: 2024-05-28. Review status: criteria provided, single submitter. Criteria: Ambry Variant Classification Scheme 2023. Collection method: clinical testing. Allele origin: germline.
Comment: The p.K498E variant (also known as c.1492A>G), located in coding exon 4 of the MSH6 gene, results from an A to G substitution at nucleotide position 1492. The lysine at codon 498 is replaced by glutamic acid, an amino acid with similar properties. This amino acid position is not well conserved in available vertebrate species. In addition, the in silico prediction for this alteration is inconclusive. Based on the available evidence, the clinical significance of this variant remains unclear.

Color Diagnostics, LLC DBA Color Health
Classification: Uncertain significance for Hereditary cancer-predisposing syndrome. Last evaluated: 2023-12-05. Review status: criteria provided, single submitter. Criteria: ACMG Guidelines, 2015. Collection method: clinical testing. Allele origin: germline.
Comment: This missense variant replaces lysine with glutamic acid at codon 498 of the MSH6 protein. Computational prediction suggests that this variant may not impact protein structure and function (internally defined REVEL score threshold <= 0.5, PMID: 27666373). To our knowledge, functional studies have not been reported for this variant. This variant has not been reported in individuals affected with MSH6-related disorders in the literature. This variant has not been identified in the general population by the Genome Aggregation Database (gnomAD). The available evidence is insufficient to determine the role of this variant in disease conclusively. Therefore, this variant is classified as a Variant of Uncertain Significance.